The following is an entry in ClinVar:

ClinVar aggregate classification (germline): Likely benign. Review status: criteria provided, multiple submitters, no conflicts (2 of 4 stars). 3 submissions from 3 submitters: Likely benign (3). Last evaluated 2025-12-21.

Conditions:
Hereditary cancer-predisposing syndrome. Also called: Neoplastic Syndromes, Hereditary; Hereditary Cancer Syndrome; Tumor predisposition; Hereditary neoplastic syndrome. Identifiers: Orphanet 140162, MedGen C0027672, MeSH D009386, MONDO:0015356.

Submissions (3):

Labcorp Genetics (formerly Invitae), Labcorp
Classification: Likely benign. Last evaluated: 2025-12-21. Review status: criteria provided, single submitter. Criteria: Invitae Variant Classification Sherloc (09022015). Collection method: clinical testing. Allele origin: germline.

Ambry Genetics
Classification: Likely benign for Hereditary cancer-predisposing syndrome. Last evaluated: 2019-11-19. Review status: criteria provided, single submitter. Criteria: Ambry Variant Classification Scheme 2023. Collection method: clinical testing. Allele origin: germline.

GeneDx
Classification: Likely benign. Last evaluated: 2016-11-18. Review status: criteria provided, single submitter. Criteria: GeneDx Variant Classification (06012015). Collection method: clinical testing. Allele origin: germline. Affected: yes.
Comment: This variant is considered likely benign or benign based on one or more of the following criteria: it is a conservative change, it occurs at a poorly conserved position in the protein, it is predicted to be benign by multiple in silico algorithms, and/or has population frequency not consistent with disease.

NM_006231.4(POLE):c.2205C>T (p.His735=)

Gene: POLE (DNA polymerase epsilon, catalytic subunit; minus strand). Cytogenetic location: 12q24.33.
Variant type: single nucleotide variant.
Coding change: c.2205C>T on transcript NM_006231.4 (MANE Select); coding-DNA position 2205, C replaced by T.
Protein change: p.His735=; no amino-acid change (histidine 735 retained).
Molecular consequence: synonymous variant.
Genome position (GRCh38, 1-based): chr12:132,667,617, G>A on the plus strand (C>T on the coding strand, the complement: POLE is on the minus strand). VCF-style: chr12-132667617-G-A. GRCh37 (hg19) VCF-style: chr12-133244203-G-A.
Identifiers: ClinVar variation 391120 (VCV000391120.13), dbSNP rs1057523974, ClinGen allele CA16606177.